The following is an entry in ClinVar:

NM_006514.4(SCN10A):c.1525T>C (p.Ser509Pro)

Gene: SCN10A (sodium voltage-gated channel alpha subunit 10; minus strand). Cytogenetic location: 3p22.2.
Variant type: single nucleotide variant.
Coding change: c.1525T>C on transcript NM_006514.4 (MANE Select); coding-DNA position 1525, T replaced by C.
Protein change: p.Ser509Pro; replaces serine 509 with proline.
Molecular consequence: missense variant. On other transcripts: intron variant (1).
Genome position (GRCh38, 1-based): chr3:38,752,449, A>G on the plus strand (T>C on the coding strand, the complement: SCN10A is on the minus strand). VCF-style: chr3-38752449-A-G. GRCh37 (hg19) VCF-style: chr3-38793940-A-G.
Other names: p.Ser509Pro; c.1525T>C, p.Ser509Pro (NM_001293306.2); c.1462-2265T>C (NM_001293307.2); c.1525T>C (NM_006514.3); short protein forms S509P.
Identifiers: ClinVar variation 380956 (VCV000380956.17), dbSNP rs7630989, ClinGen allele CA2320822.

ClinVar aggregate classification (germline): Benign/Likely benign. Review status: criteria provided, multiple submitters, no conflicts (2 of 4 stars). 8 submissions from 8 submitters: Benign (5); Likely benign (1). 2 of the submissions do not count toward it. Last evaluated 2026-02-04.

Conditions:
Brugada syndrome. Also called: Sudden unexpected nocturnal death syndrome; Sudden Unexplained Death Syndrome; Sudden Unexplained Nocturnal Death Syndrome (SUNDS); Sudden unexplained nocturnal death syndrome. Identifiers: Orphanet 130, MedGen C1142166, MONDO:0015263.
Cardiovascular phenotype. Identifiers: MedGen CN230736.

Allele frequency attached by ClinVar (database versions not stated): gnomAD exomes 0.04538 and 0.07321; ExAC 0.07614; ESP Exome Variant Server 0.08965; gnomAD 0.08988 and 0.09078; TOPMed 0.10216; 1000 Genomes Project 30x 0.13757; 1000 Genomes Project 0.13998.
gnomAD v4.1: 80,769 of 1,612,536 alleles (5%); highest among the groups gnomAD compares: African/African-American, 21%; 4,246 homozygotes.

Submissions (8):

Labcorp Genetics (formerly Invitae), Labcorp
Classification: Benign for Brugada syndrome. Last evaluated: 2026-02-04. Review status: criteria provided, single submitter. Criteria: Invitae Variant Classification Sherloc (09022015). Collection method: clinical testing. Allele origin: germline.

Women's Health and Genetics/Laboratory Corporation of America, LabCorp
Classification: Likely benign. Last evaluated: 2023-04-10. Review status: criteria provided, single submitter. Criteria: LabCorp Variant Classification Summary - May 2015. Collection method: clinical testing. Allele origin: germline.

Ambry Genetics
Classification: Benign for Cardiovascular phenotype. Last evaluated: 2018-12-24. Review status: criteria provided, single submitter. Criteria: Ambry Variant Classification Scheme 2023. Collection method: clinical testing. Allele origin: germline.

Mayo Clinic Laboratories, Mayo Clinic
Classification: Benign. Last evaluated: 2017-08-24. Review status: criteria provided, single submitter. Criteria: ACMG Guidelines, 2015. Collection method: clinical testing. Allele origin: germline. Observed: 100 variant alleles.

GeneDx
Classification: Benign. Last evaluated: 2016-09-28. Review status: criteria provided, single submitter. Criteria: GeneDx Variant Classification (06012015). Collection method: clinical testing. Allele origin: germline. Affected: yes.
Comment: This variant is considered likely benign or benign based on one or more of the following criteria: it is a conservative change, it occurs at a poorly conserved position in the protein, it is predicted to be benign by multiple in silico algorithms, and/or has population frequency not consistent with disease.

Breakthrough Genomics
Classification: Benign. Review status: criteria provided, single submitter. Criteria: ACMG Guidelines, 2015. Collection method: not provided. Allele origin: germline. Inheritance: Autosomal dominant inheritance. Affected: yes.

Clinical Genetics, Academic Medical Center
Classification: Benign. Review status: no assertion criteria provided. Collection method: clinical testing. Allele origin: germline. Affected: yes. Study: VKGL Data-share Consensus. Not counted in ClinVar's aggregate classification.

Joint Genome Diagnostic Labs from Nijmegen and Maastricht, Radboudumc and MUMC+
Classification: Benign. Review status: no assertion criteria provided. Collection method: clinical testing. Allele origin: germline. Affected: yes. Study: VKGL Data-share Consensus. Not counted in ClinVar's aggregate classification.